The following is an entry in ClinVar:

NM_001164508.2(NEB):c.18893A>T (p.Asn6298Ile)

Gene: NEB (nebulin; minus strand). Cytogenetic location: 2q23.3.
Variant type: single nucleotide variant.
Coding change: c.18893A>T on transcript NM_001164508.2 (MANE Select); coding-DNA position 18893, A replaced by T.
Protein change: p.Asn6298Ile; replaces asparagine 6298 with isoleucine.
Molecular consequence: missense variant.
Genome position (GRCh38, 1-based): chr2:151,562,213, T>A on the plus strand (A>T on the coding strand, the complement: NEB is on the minus strand). VCF-style: chr2-151562213-T-A. GRCh37 (hg19) VCF-style: chr2-152418727-T-A.
Other names: c.18893A>T, p.Asn6298Ile (NM_001164507.2, NM_001271208.2); c.13790A>T, p.Asn4597Ile (NM_004543.5); short protein forms N6298I, N4597I.
Identifiers: ClinVar variation 2188263 (VCV002188263.1), dbSNP rs781054657, ClinGen allele CA1907811.

ClinVar aggregate classification (germline): Uncertain significance (1 of 4 stars; one submission).

Conditions:
Nemaline myopathy 2 (NEM2). Also called: Nemaline myopathy 2, autosomal recessive. Identifiers: MedGen C1850569, MONDO:0009725, OMIM 256030.

Allele frequency attached by ClinVar (database versions not stated): ExAC 0.00001; TOPMed 0.00001.
gnomAD v4.1: 4 of 1,604,838 alleles (0.00025%); highest among the groups gnomAD compares: Admixed American, 0.0067%; no homozygotes.

Submission:

Labcorp Genetics (formerly Invitae), Labcorp
Classification: Uncertain significance for Nemaline myopathy 2. Last evaluated: 2021-10-23. Review status: criteria provided, single submitter. Criteria: Invitae Variant Classification Sherloc (09022015). Collection method: clinical testing. Allele origin: germline.
Comment: This sequence change replaces asparagine with isoleucine at codon 6298 of the NEB protein (p.Asn6298Ile). The asparagine residue is moderately conserved and there is a large physicochemical difference between asparagine and isoleucine. This variant is present in population databases (rs781054657, ExAC 0.009%). This variant has not been reported in the literature in individuals affected with NEB-related conditions. Algorithms developed to predict the effect of missense changes on protein structure and function are either unavailable or do not agree on the potential impact of this missense change (SIFT: "Tolerated"; PolyPhen-2: "Not Available"; Align-GVGD: "Class C0"). In summary, the available evidence is currently insufficient to determine the role of this variant in disease. Therefore, it has been classified as a Variant of Uncertain Significance.